The following is an entry in ClinVar:

ClinVar aggregate classification (germline): Conflicting classifications of pathogenicity. Review status: criteria provided, conflicting classifications (1 of 4 stars). 3 submissions from 3 submitters: Uncertain significance (2); Benign (1). Last evaluated 2025-08-19.

Conditions:
Ehlers-Danlos syndrome, classic type, 1 (EDSCL1). Also called: EHLERS-DANLOS SYNDROME, GRAVIS TYPE; EHLERS-DANLOS SYNDROME, SEVERE CLASSIC TYPE; Ehlers-Danlos syndrome, type 1; Ehlers-Danlos Syndrome, Classic Type, COL5A1-Related; EDS I. Identifiers: MedGen C0268335, MONDO:0019567, OMIM 130000.

Allele frequency attached by ClinVar (database versions not stated): gnomAD exomes 0.00002 and 0.00001; ESP Exome Variant Server 0.00008; ExAC 0.00002; gnomAD 0.00004; TOPMed 0.00003.
gnomAD v4.1: 15 of 1,614,070 alleles (0.00093%); highest among the groups gnomAD compares: African/African-American, 0.004%; no homozygotes.

Submissions (3):

Labcorp Genetics (formerly Invitae), Labcorp
Classification: Benign for Ehlers-Danlos syndrome, classic type, 1. Last evaluated: 2025-08-19. Review status: criteria provided, single submitter. Criteria: Invitae Variant Classification Sherloc (09022015). Collection method: clinical testing. Allele origin: germline.

GeneDx
Classification: Uncertain significance. Last evaluated: 2020-10-02. Review status: criteria provided, single submitter. Criteria: GeneDx Variant Classification Process June 2021. Collection method: clinical testing. Allele origin: germline. Affected: yes.
Comment: Has not been previously published as pathogenic or benign to our knowledge; Not observed at a significant frequency in large population cohorts (Lek et al., 2016); In silico analysis supports that this missense variant has a deleterious effect on protein structure/function; Not located in the triple helical region, where the majority of pathogenic missense variants occur (Symoens et al., 2012; Stenson et al., 2014)

Mayo Clinic Laboratories, Mayo Clinic
Classification: Uncertain significance. Last evaluated: 2019-11-04. Review status: criteria provided, single submitter. Criteria: ACMG Guidelines, 2015. Collection method: clinical testing. Allele origin: germline. Observed: 1 variant allele.

NM_000093.5(COL5A1):c.4751G>A (p.Arg1584Gln)

Genes: COL5A1 (collagen type V alpha 1 chain; plus strand), LOC101448202 (uncharacterized LOC101448202; minus strand). Cytogenetic location: 9q34.3.
Variant type: single nucleotide variant.
Coding change: c.4751G>A on transcript NM_000093.5 (MANE Select); coding-DNA position 4751, G replaced by A.
Protein change: p.Arg1584Gln; replaces arginine 1584 with glutamine.
Molecular consequence: missense variant.
Genome position (GRCh38, 1-based): chr9:134,824,652, G>A. VCF-style: chr9-134824652-G-A. GRCh37 (hg19) VCF-style: chr9-137716498-G-A.
Other names: c.4751G>A, p.Arg1584Gln (NM_001278074.1); short protein forms R1584Q.
Identifiers: ClinVar variation 1163910 (VCV001163910.10), dbSNP rs369501428, ClinGen allele CA5320468.